The following is an entry in ClinVar:

NM_012079.6(DGAT1):c.600G>A (p.Ala200=)

Gene: DGAT1 (diacylglycerol O-acyltransferase 1; minus strand). Cytogenetic location: 8q24.3.
Variant type: single nucleotide variant.
Coding change: c.600G>A on transcript NM_012079.6 (MANE Select); coding-DNA position 600, G replaced by A.
Protein change: p.Ala200=; no amino-acid change (alanine 200 retained).
Molecular consequence: synonymous variant.
Genome position (GRCh38, 1-based): chr8:144,318,337, C>T on the plus strand (G>A on the coding strand, the complement: DGAT1 is on the minus strand). VCF-style: chr8-144318337-C-T. GRCh37 (hg19) VCF-style: chr8-145542000-C-T.
Other names: c.600G>A (NM_012079.5).
Identifiers: ClinVar variation 1569522 (VCV001569522.9), dbSNP rs574168177, ClinGen allele CA4936950.

ClinVar aggregate classification (germline): Likely benign. Review status: criteria provided, multiple submitters, no conflicts (2 of 4 stars). 2 submissions from 2 submitters: Likely benign (2). Last evaluated 2026-08-12.

Conditions:
DGAT1-related disorder. Also called: DGAT1-related condition.

Allele frequency attached by ClinVar (database versions not stated): ExAC 0.00011; 1000 Genomes Project 30x 0.00016; 1000 Genomes Project 0.00020; gnomAD 0.00005 and 0.00007; TOPMed 0.00005; gnomAD exomes 0.00008 and 0.00009.
gnomAD v4.1: 120 of 1,611,582 alleles (0.0074%); highest among the groups gnomAD compares: South Asian, 0.034%; no homozygotes.

Submissions (2):

PreventionGenetics, part of Exact Sciences
Classification: Likely benign for DGAT1-related condition. Last evaluated: 2026-08-12. Review status: criteria provided, single submitter. Criteria: ACMG Guidelines, 2015. Collection method: clinical testing. Allele origin: germline.
Comment: This variant is classified as likely benign based on ACMG/AMP sequence variant interpretation guidelines (Richards et al. 2015 PMID: 25741868, with internal and published modifications).

Labcorp Genetics (formerly Invitae), Labcorp
Classification: Likely benign. Last evaluated: 2025-02-26. Review status: criteria provided, single submitter. Criteria: Invitae Variant Classification Sherloc (09022015). Collection method: clinical testing. Allele origin: germline.